The following is an entry in ClinVar:

NM_033641.4(COL4A6):c.2128C>A (p.Pro710Thr)

Gene: COL4A6 (collagen type IV alpha 6 chain; minus strand). Cytogenetic location: Xq22.3.
Variant type: single nucleotide variant.
Coding change: c.2128C>A on transcript NM_033641.4 (MANE Select); coding-DNA position 2128, C replaced by A.
Protein change: p.Pro710Thr; replaces proline 710 with threonine.
Molecular consequence: missense variant.
Genome position (GRCh38, 1-based): chrX:108,180,518, G>T on the plus strand (C>A on the coding strand, the complement: COL4A6 is on the minus strand). VCF-style: chrX-108180518-G-T. GRCh37 (hg19) VCF-style: chrX-107423748-G-T.
Other names: c.2179C>A, p.Pro727Thr (NM_001287758.2); c.2128C>A, p.Pro710Thr (NM_001287759.2, NM_001287760.2); c.2131C>A, p.Pro711Thr (NM_001847.4); short protein forms P711T, P727T, P710T.
Identifiers: ClinVar variation 2158398 (VCV002158398.4), dbSNP rs1207810171, ClinGen allele CA413859353.
Genomic context (GRCh38, chrX:108,180,518, plus strand): 5'-CACACACACACACATACACACAAAGAGAAGCAGGTGAGGAGACACTCCTTTTCTTACCTG[G>T]TAATTCAGGAAGATGAACCAATCCTGGACTCCCTGGCTCTCCTTTACTTCCACTTGACCC-3'
Protein context (NP_378667.1, residues 700-720): SPGLVHLPEL[Pro710Thr]GFPGPRGEKG

ClinVar aggregate classification (germline): Uncertain significance (1 of 4 stars; one submission).

Allele frequency attached by ClinVar (database versions not stated): gnomAD 0.00001; TOPMed 0.00001.
gnomAD v4.1: 3 of 1,198,512 alleles (0.00025%); highest among the groups gnomAD compares: Admixed American, 0.0067%; no homozygotes.

Submission:

Labcorp Genetics (formerly Invitae), Labcorp
Classification: Uncertain significance. Last evaluated: 2024-06-03. Review status: criteria provided, single submitter. Criteria: Invitae Variant Classification Sherloc (09022015). Collection method: clinical testing. Allele origin: germline.
Comment: This sequence change replaces proline, which is neutral and non-polar, with threonine, which is neutral and polar, at codon 711 of the COL4A6 protein (p.Pro711Thr). This variant is not present in population databases (gnomAD no frequency). This variant has not been reported in the literature in individuals affected with COL4A6-related conditions. ClinVar contains an entry for this variant (Variation ID: 2158398). Advanced modeling of protein sequence and biophysical properties (such as structural, functional, and spatial information, amino acid conservation, physicochemical variation, residue mobility, and thermodynamic stability) performed at Invitae indicates that this missense variant is not expected to disrupt COL4A6 protein function with a negative predictive value of 80%. In summary, the available evidence is currently insufficient to determine the role of this variant in disease. Therefore, it has been classified as a Variant of Uncertain Significance.